The following is an entry in ClinVar:

ClinVar aggregate classification (germline): Benign/Likely benign. Review status: criteria provided, multiple submitters, no conflicts (2 of 4 stars). 5 submissions from 5 submitters: Benign (1); Likely benign (3). 1 of the submissions does not count toward it. Last evaluated 2025-07-23.

Conditions:
PURA-related disorder. Also called: PURA-related condition.
PURA-related severe neonatal hypotonia-seizures-encephalopathy syndrome (NEDRIHF). Also called: NEURODEVELOPMENTAL DISORDER WITH NEONATAL RESPIRATORY INSUFFICIENCY, HYPOTONIA, AND FEEDING DIFFICULTIES; PURA-Related Neurodevelopmental Disorders. Identifiers: Orphanet 438213, Orphanet 438216, MedGen C4015357, MONDO:1060108, OMIM 616158, MONDO:0018580.
Inborn genetic diseases. Identifiers: MedGen C0950123, MeSH D030342.

Allele frequency attached by ClinVar (database versions not stated): TOPMed 0.00002; gnomAD 0.00010; 1000 Genomes Project 0.00040; 1000 Genomes Project 30x 0.00047.
gnomAD v4.1: 29 of 1,612,930 alleles (0.0018%); highest among the groups gnomAD compares: East Asian, 0.047%; no homozygotes.

Submissions (5):

Labcorp Genetics (formerly Invitae), Labcorp
Classification: Likely benign for PURA-related severe neonatal hypotonia-seizures-encephalopathy syndrome. Last evaluated: 2025-07-23. Review status: criteria provided, single submitter. Criteria: Invitae Variant Classification Sherloc (09022015). Collection method: clinical testing. Allele origin: germline.

Blueprint Genetics
Classification: Likely benign. Last evaluated: 2024-08-30. Review status: criteria provided, single submitter. Criteria: ACMG Guidelines, 2015. Collection method: clinical testing. Allele origin: germline.

GeneDx
Classification: Benign. Last evaluated: 2019-08-30. Review status: criteria provided, single submitter. Criteria: GeneDx Variant Classification Process June 2021. Collection method: clinical testing. Allele origin: germline. Affected: yes.

Ambry Genetics
Classification: Likely benign for Inborn genetic diseases. Last evaluated: 2016-08-31. Review status: criteria provided, single submitter. Criteria: Ambry Variant Classification Scheme 2023. Collection method: clinical testing. Allele origin: germline.

PreventionGenetics, part of Exact Sciences
Classification: Likely benign for PURA-related condition. Last evaluated: 2019-03-13. Review status: no assertion criteria provided. Collection method: clinical testing. Allele origin: germline. Not counted in ClinVar's aggregate classification.
Comment: This variant is classified as likely benign based on ACMG/AMP sequence variant interpretation guidelines (Richards et al. 2015 PMID: 25741868, with internal and published modifications).

NM_005859.5(PURA):c.543C>T (p.Gly181=)

Gene: PURA (purine rich element binding protein A; plus strand). Cytogenetic location: 5q31.3.
Variant type: single nucleotide variant.
Coding change: c.543C>T on transcript NM_005859.5 (MANE Select); coding-DNA position 543, C replaced by T.
Protein change: p.Gly181=; no amino-acid change (glycine 181 retained).
Molecular consequence: synonymous variant.
Genome position (GRCh38, 1-based): chr5:140,114,724, C>T. VCF-style: chr5-140114724-C-T. GRCh37 (hg19) VCF-style: chr5-139494309-C-T.
Identifiers: ClinVar variation 475289 (VCV000475289.22), dbSNP rs555886273, ClinGen allele CA3437479.